The following is an entry in ClinVar:

ClinVar aggregate classification (germline): Pathogenic (0 of 4 stars; one submission).
ClinVar aggregate classification (oncogenicity): Oncogenic (1 of 4 stars; one submission).

Conditions:
Neuroblastoma, susceptibility to, 3. Also called: ALK-Related Neuroblastic Tumor Susceptibility. Identifiers: Orphanet 635, MedGen C2751681, MONDO:0013083, OMIM 613014.
Neoplasm. Also called: Neoplasms; Neoplasm (disease); tumor. Identifiers: MedGen C0027651, MeSH D009369, MONDO:0005070, HP:0002664.

Submissions (2):

Center for Genomic Medicine, Rigshospitalet, Copenhagen University Hospital
Classification: Oncogenic for Neoplasm. Last evaluated: 2025-12-29. Review status: criteria provided, single submitter. Criteria: ClinGen/CGC/VICC Guidelines for Oncogenicity, 2022. Collection method: clinical testing. Allele origin: somatic. Affected: yes.

Genomic Diagnostic Laboratory, Division of Genomic Diagnostics, Children's Hospital of Philadelphia
Classification: Pathogenic for Neuroblastoma, susceptibility to, 3. Last evaluated: 2015-10-07. Review status: no assertion criteria provided. Collection method: clinical testing. Allele origin: somatic. Affected: yes. Observed: 4 variant alleles.
Comment: Clinical Testing

Literature cited by the submitters: PubMed 18923525 (cited by Center for Genomic Medicine, Rigshospitalet, Copenhagen University Hospital); PubMed 29533785 (cited by Center for Genomic Medicine, Rigshospitalet, Copenhagen University Hospital); PubMed 29907598 (cited by Center for Genomic Medicine, Rigshospitalet, Copenhagen University Hospital); PubMed 21030459 (cited by Center for Genomic Medicine, Rigshospitalet, Copenhagen University Hospital); PubMed 31452835 (cited by Center for Genomic Medicine, Rigshospitalet, Copenhagen University Hospital).

NM_004304.5(ALK):c.3520T>C (p.Phe1174Leu)

Gene: ALK (ALK receptor tyrosine kinase; minus strand). Cytogenetic location: 2p23.2.
Variant type: single nucleotide variant.
Coding change: c.3520T>C on transcript NM_004304.5 (MANE Select); coding-DNA position 3520, T replaced by C.
Protein change: p.Phe1174Leu; replaces phenylalanine 1174 with leucine.
Molecular consequence: missense variant.
Genome position (GRCh38, 1-based): chr2:29,220,831, A>G on the plus strand (T>C on the coding strand, the complement: ALK is on the minus strand). VCF-style: chr2-29220831-A-G. GRCh37 (hg19) VCF-style: chr2-29443697-A-G.
Other names: c.316T>C, p.Phe106Leu (NM_001353765.2); short protein forms F1174L, F106L.
Identifiers: ClinVar variation 217849 (VCV000217849.2), dbSNP rs281864719, ClinGen allele CA277829.